The following is an entry in ClinVar:

NM_138420.4(AHNAK2):c.5197G>A (p.Glu1733Lys)

Gene: AHNAK2 (AHNAK nucleoprotein 2; minus strand). Cytogenetic location: 14q32.33.
Variant type: single nucleotide variant.
Coding change: c.5197G>A on transcript NM_138420.4 (MANE Select); coding-DNA position 5197, G replaced by A.
Protein change: p.Glu1733Lys; replaces glutamic acid 1733 with lysine.
Molecular consequence: missense variant.
Genome position (GRCh38, 1-based): chr14:104,950,254, C>T on the plus strand (G>A on the coding strand, the complement: AHNAK2 is on the minus strand). VCF-style: chr14-104950254-C-T. GRCh37 (hg19) VCF-style: chr14-105416591-C-T.
Other names: c.4897G>A, p.Glu1633Lys (NM_001350929.2); c.5197G>A (NM_138420.2); short protein forms E1633K, E1733K.
Identifiers: ClinVar variation 2644801 (VCV002644801.25), dbSNP rs369615995, ClinGen allele CA7381915.

ClinVar aggregate classification (germline): Conflicting classifications of pathogenicity. Review status: criteria provided, conflicting classifications (1 of 4 stars). 2 submissions from 2 submitters: Uncertain significance (1); Likely benign (1). Last evaluated 2025-08-06.

Allele frequency attached by ClinVar (database versions not stated): ESP Exome Variant Server 0.00009; gnomAD 0.00187; 1000 Genomes Project 30x 0.00297; 1000 Genomes Project 0.00339.
gnomAD v4.1: 583 of 1,585,296 alleles (0.037%); highest among the groups gnomAD compares: African/African-American, 0.6%; 45 homozygotes.

Submissions (2):

Ambry Genetics
Classification: Uncertain significance. Last evaluated: 2025-08-06. Review status: criteria provided, single submitter. Criteria: Ambry Variant Classification Scheme 2023. Collection method: clinical testing. Allele origin: germline.

CeGaT Center for Human Genetics Tuebingen
Classification: Likely benign. Last evaluated: 2023-04-01. Review status: criteria provided, single submitter. Criteria: CeGaT Center For Human Genetics Tuebingen Variant Classification Criteria Version 2. Collection method: clinical testing. Allele origin: germline. Affected: yes. Observed: 1 variant allele.
Comment: AHNAK2: BP4, BS2